The following is an entry in ClinVar:

ClinVar aggregate classification (germline): Uncertain significance (1 of 4 stars; one submission).

Conditions:
Familial adenomatous polyposis 1 (FAP1). Also called: FAMILIAL ADENOMATOUS POLYPOSIS 1, ATTENUATED; POLYPOSIS, ADENOMATOUS INTESTINAL. Identifiers: MedGen C2713442, MONDO:0021056, OMIM 175100. Disease mechanism: loss of function.

Allele frequency attached by ClinVar (database versions not stated): TOPMed below 0.00001; gnomAD 0.00001; gnomAD exomes 0.00001.
gnomAD v4.1: 5 of 1,613,982 alleles (0.00031%); highest among the groups gnomAD compares: East Asian, 0.011%; no homozygotes.

Submission:

Labcorp Genetics (formerly Invitae), Labcorp
Classification: Uncertain significance for Familial adenomatous polyposis 1. Last evaluated: 2024-05-02. Review status: criteria provided, single submitter. Criteria: Invitae Variant Classification Sherloc (09022015). Collection method: clinical testing. Allele origin: germline.
Comment: This sequence change replaces leucine, which is neutral and non-polar, with valine, which is neutral and non-polar, at codon 1021 of the APC protein (p.Leu1021Val). This variant is not present in population databases (gnomAD no frequency). This variant has not been reported in the literature in individuals affected with APC-related conditions. Advanced modeling of protein sequence and biophysical properties (such as structural, functional, and spatial information, amino acid conservation, physicochemical variation, residue mobility, and thermodynamic stability) performed at Invitae indicates that this missense variant is not expected to disrupt APC protein function with a negative predictive value of 95%. In summary, the available evidence is currently insufficient to determine the role of this variant in disease. Therefore, it has been classified as a Variant of Uncertain Significance.

NM_000038.6(APC):c.3061C>G (p.Leu1021Val)

Gene: APC (APC regulator of Wnt signaling pathway; plus strand). Cytogenetic location: 5q22.2.
Variant type: single nucleotide variant.
Coding change: c.3061C>G on transcript NM_000038.6 (MANE Select); coding-DNA position 3061, C replaced by G.
Protein change: p.Leu1021Val; replaces leucine 1021 with valine.
Molecular consequence: missense variant. On other transcripts: non-coding transcript variant (2).
Genome position (GRCh38, 1-based): chr5:112,838,655, C>G. VCF-style: chr5-112838655-C-G. GRCh37 (hg19) VCF-style: chr5-112174352-C-G.
Other names: c.3061C>G, p.Leu1021Val (NM_001127510.3, NM_001354895.2, NM_001407450.1); c.3007C>G, p.Leu1003Val (NM_001127511.3); c.3115C>G, p.Leu1039Val (NM_001354896.2, NM_001407447.1, NM_001407448.1 and 1 more transcripts); c.3091C>G, p.Leu1031Val (NM_001354897.2); c.2986C>G, p.Leu996Val (NM_001354898.2); c.2977C>G, p.Leu993Val (NM_001354899.2); c.2938C>G, p.Leu980Val (NM_001354900.2); c.2884C>G, p.Leu962Val (NM_001354901.2, NM_001407453.1); and 11 more; short protein forms L1003V, L1039V, L1049V, L892V, L920V, L993V, L738V, L895V.
Identifiers: ClinVar variation 2856972 (VCV002856972.3), dbSNP rs1765327994, ClinGen allele CA16028038.